The following is an entry in ClinVar:

ClinVar aggregate classification (germline): Uncertain significance (1 of 4 stars; one submission).

Conditions:
Joubert syndrome 8 (JBTS8). Identifiers: Orphanet 475, MedGen C2676771, MONDO:0012855, OMIM 612291.

Submission:

Labcorp Genetics (formerly Invitae), Labcorp
Classification: Uncertain significance for Joubert syndrome 8. Last evaluated: 2024-11-05. Review status: criteria provided, single submitter. Criteria: Invitae Variant Classification Sherloc (09022015). Collection method: clinical testing. Allele origin: germline.
Comment: This sequence change replaces aspartic acid, which is acidic and polar, with histidine, which is basic and polar, at codon 283 of the ARL13B protein (p.Asp283His). This variant is not present in population databases (gnomAD no frequency). This variant has not been reported in the literature in individuals affected with ARL13B-related conditions. ClinVar contains an entry for this variant (Variation ID: 2049298). Invitae Evidence Modeling of protein sequence and biophysical properties (such as structural, functional, and spatial information, amino acid conservation, physicochemical variation, residue mobility, and thermodynamic stability) indicates that this missense variant is not expected to disrupt ARL13B protein function with a negative predictive value of 80%. In summary, the available evidence is currently insufficient to determine the role of this variant in disease. Therefore, it has been classified as a Variant of Uncertain Significance.

NM_001174150.2(ARL13B):c.847G>C (p.Asp283His)

Gene: ARL13B (ARF like GTPase 13B; plus strand). Cytogenetic location: 3q11.2.
Variant type: single nucleotide variant.
Coding change: c.847G>C on transcript NM_001174150.2 (MANE Select); coding-DNA position 847, G replaced by C.
Protein change: p.Asp283His; replaces aspartic acid 283 with histidine.
Molecular consequence: missense variant. On other transcripts: non-coding transcript variant (2).
Genome position (GRCh38, 1-based): chr3:94,043,063, G>C. VCF-style: chr3-94043063-G-C. GRCh37 (hg19) VCF-style: chr3-93761907-G-C.
Other names: c.538G>C, p.Asp180His (NM_001174151.2); c.802G>C, p.Asp268His (NM_001321328.2); c.847G>C, p.Asp283His (NM_001410782.1, NM_182896.3); c.526G>C, p.Asp176His (NM_144996.4); short protein forms D176H, D180H, D268H, D283H.
Identifiers: ClinVar variation 2049298 (VCV002049298.4), dbSNP rs2472121003, ClinGen allele CA353678912.